The following is an entry in ClinVar:

ClinVar aggregate classification (germline): Conflicting classifications of pathogenicity. Review status: criteria provided, conflicting classifications (1 of 4 stars). 3 submissions from 3 submitters: Pathogenic (2); Uncertain significance (1). Last evaluated 2026-10-01.

Conditions:
Neurodevelopmental-craniofacial syndrome with variable renal and cardiac abnormalities. Identifiers: MedGen C5561984, MONDO:0859190, OMIM 619522.

Allele frequency attached by ClinVar (database versions not stated): gnomAD exomes below 0.00001.
gnomAD v4.1: 1 of 1,569,284 alleles (0.000064%); no homozygotes.

Submissions (3):

GeneDx
Classification: Pathogenic. Last evaluated: 2026-10-01. Review status: criteria provided, single submitter. Criteria: GeneDx Variant Classification Process June 2021. Collection method: clinical testing. Allele origin: germline.
Comment: Nonsense variant predicted to result in protein truncation or nonsense mediated decay in a gene for which loss of function is a known mechanism of disease; Not observed at significant frequency in large population cohorts (gnomAD); Has not been previously published as pathogenic or benign to our knowledge

3billion
Classification: Pathogenic for Neurodevelopmental-craniofacial syndrome with variable renal and cardiac abnormalities. Last evaluated: 2025-10-27. Review status: criteria provided, single submitter. Criteria: ACMG Guidelines, 2015. Collection method: clinical testing. Allele origin: germline. Affected: yes.
Comment: The variant is observed at an extremely low frequency in the gnomAD v4.1.0 dataset (total allele frequency: <0.001%). Predicted Consequence/Location: Stop-gained (nonsense): predicted to result in a loss or disruption of normal protein function through nonsense-mediated decay (NMD) or protein truncation. Multiple pathogenic variants are reported downstream of the variant. The variant has been reported to be associated with ZMYM2-related disorder (ClinVar ID: VCV002429606). Therefore, this variant is classified as Pathogenic according to the recommendation of ACMG/AMP guideline.

Blueprint Genetics
Classification: Uncertain significance. Last evaluated: 2021-07-28. Review status: criteria provided, single submitter. Criteria: ACMG Guidelines, 2015. Collection method: clinical testing. Allele origin: germline.

NM_197968.4(ZMYM2):c.2479C>T (p.Arg827Ter)

Gene: ZMYM2 (zinc finger MYM-type containing 2; plus strand). Cytogenetic location: 13q12.11.
Variant type: single nucleotide variant.
Coding change: c.2479C>T on transcript NM_197968.4 (MANE Select); coding-DNA position 2479, C replaced by T.
Protein change: p.Arg827Ter; replaces arginine 827 with a stop codon.
Molecular consequence: nonsense. On other transcripts: non-coding transcript variant (1).
Genome position (GRCh38, 1-based): chr13:20,052,297, C>T. VCF-style: chr13-20052297-C-T. GRCh37 (hg19) VCF-style: chr13-20626437-C-T.
Other names: c.2479C>T, p.Arg827Ter (NM_001190964.4, NM_001190965.4, NM_001353157.2 and 5 more transcripts); c.2284C>T, p.Arg762Ter (NM_001353161.3); c.2218C>T, p.Arg740Ter (NM_001353163.2); short protein forms R740*, R762*, R827*.
Identifiers: ClinVar variation 2429606 (VCV002429606.4), dbSNP rs1283173275, ClinGen allele CA387460615.